The following is an entry in ClinVar:

ClinVar aggregate classification (germline): Uncertain significance (1 of 4 stars; one submission).

Conditions:
Hereditary cancer-predisposing syndrome. Also called: Hereditary Cancer Syndrome; Neoplastic Syndromes, Hereditary; Hereditary neoplastic syndrome; Tumor predisposition. Identifiers: Orphanet 140162, MedGen C0027672, MeSH D009386, MONDO:0015356.

gnomAD v4.1: 1 of 1,612,950 alleles (0.000062%); highest among the groups gnomAD compares: African/African-American, 0.0013%; no homozygotes.

Submission:

Labcorp Genetics (formerly Invitae), Labcorp
Classification: Uncertain significance for Hereditary cancer-predisposing syndrome. Last evaluated: 2024-02-20. Review status: criteria provided, single submitter. Criteria: Invitae Variant Classification Sherloc (09022015). Collection method: clinical testing. Allele origin: germline.
Comment: This sequence change replaces glutamine, which is neutral and polar, with arginine, which is basic and polar, at codon 1058 of the RAD50 protein (p.Gln1058Arg). This variant is not present in population databases (gnomAD no frequency). This variant has not been reported in the literature in individuals affected with RAD50-related conditions. Advanced modeling of protein sequence and biophysical properties (such as structural, functional, and spatial information, amino acid conservation, physicochemical variation, residue mobility, and thermodynamic stability) performed at Invitae indicates that this missense variant is not expected to disrupt RAD50 protein function with a negative predictive value of 80%. In summary, the available evidence is currently insufficient to determine the role of this variant in disease. Therefore, it has been classified as a Variant of Uncertain Significance.

NM_005732.4(RAD50):c.3173A>G (p.Gln1058Arg)

Gene: RAD50 (RAD50 double strand break repair protein; plus strand). Cytogenetic location: 5q31.1.
Variant type: single nucleotide variant.
Coding change: c.3173A>G on transcript NM_005732.4 (MANE Select); coding-DNA position 3173, A replaced by G.
Protein change: p.Gln1058Arg; replaces glutamine 1058 with arginine.
Molecular consequence: missense variant.
Genome position (GRCh38, 1-based): chr5:132,618,078, A>G. VCF-style: chr5-132618078-A-G. GRCh37 (hg19) VCF-style: chr5-131953770-A-G.
Other names: short protein forms Q1058R.
Identifiers: ClinVar variation 3655211 (VCV003655211.2).
Genomic context (GRCh38, chr5:132,618,078, plus strand): 5'-GGTTGTTAAAAGCTAAAAAATGGTCCTCATTTGTCATTTTTCTTTTTTACAGTGAACATC[A>G]GAAGTTGGAAGAGAACATAGACAATATAAAAAGAAATCATAATTTGGCATTAGGGCGACA-3'
Protein context (NP_005723.2, residues 1048-1068): MQVLQMKSEH[Gln1058Arg]KLEENIDNIK